The following is an entry in ClinVar:

ClinVar aggregate classification (germline): Uncertain significance (1 of 4 stars; one submission).

Conditions:
Autoimmune lymphoproliferative syndrome type 2A (ALPS2A). Also called: CASP10-Related Autoimmune Lymphoproliferative Syndrome; AUTOIMMUNE LYMPHOPROLIFERATIVE SYNDROME, TYPE IIA; Autoimmune lymphoproliferative syndrome type 2. Identifiers: Orphanet 3261, MedGen C1858968, MONDO:0011383, OMIM 603909.

Submission:

Labcorp Genetics (formerly Invitae), Labcorp
Classification: Uncertain significance for Autoimmune lymphoproliferative syndrome type 2A. Last evaluated: 2024-01-17. Review status: criteria provided, single submitter. Criteria: Invitae Variant Classification Sherloc (09022015). Collection method: clinical testing. Allele origin: germline.
Comment: This sequence change falls in intron 2 of the CASP10 gene. It does not directly change the encoded amino acid sequence of the CASP10 protein. It affects a nucleotide within the consensus splice site. This variant is not present in population databases (gnomAD no frequency). This variant has not been reported in the literature in individuals affected with CASP10-related conditions. Variants that disrupt the consensus splice site are a relatively common cause of aberrant splicing (PMID: 17576681, 9536098). Algorithms developed to predict the effect of sequence changes on RNA splicing suggest that this variant is not likely to affect RNA splicing. In summary, the available evidence is currently insufficient to determine the role of this variant in disease. Therefore, it has been classified as a Variant of Uncertain Significance.

Literature cited by the submitters: PubMed 17576681; PubMed 9536098.

NM_032977.4(CASP10):c.347+6G>T

Gene: CASP10 (caspase 10; plus strand). Cytogenetic location: 2q33.1.
Variant type: single nucleotide variant.
Coding change: c.347+6G>T on transcript NM_032977.4 (MANE Select); 6 bases into the intron after coding-DNA position 347, G replaced by T.
Molecular consequence: intron variant.
Genome position (GRCh38, 1-based): chr2:201,186,130, G>T. VCF-style: chr2-201186130-G-T. GRCh37 (hg19) VCF-style: chr2-202050853-G-T.
Other names: c.347+6G>T (NM_032974.5, NM_001206542.2, NM_032976.4 and 3 more transcripts).
Identifiers: ClinVar variation 3753487 (VCV003753487.2).